The following is an entry in ClinVar:

ClinVar aggregate classification (germline): Likely pathogenic (1 of 4 stars; one submission).

Conditions:
Autosomal recessive nonsyndromic hearing loss 3. Also called: NEUROSENSORY NONSYNDROMIC RECESSIVE DEAFNESS 3. Identifiers: Orphanet 90636, MedGen C1838263, MONDO:0010860, OMIM 600316.

Submission:

Institute of Rare Diseases, West China Hospital, Sichuan University
Classification: Likely pathogenic for Autosomal recessive nonsyndromic hearing loss 3. Last evaluated: 2025-01-09. Review status: criteria provided, single submitter. Criteria: ClinGen HL ACMG Specifications v1. Collection method: research. Allele origin: germline. Affected: yes.
Comment: PVS1;PM2_Supporting

NM_016239.4(MYO15A):c.9569del (p.Gly3190fs)

Gene: MYO15A (myosin XVA; plus strand). Cytogenetic location: 17p11.2.
Variant type: Deletion.
Coding change: c.9569del on transcript NM_016239.4 (MANE Select); coding-DNA position 9569, one base deleted (G; older notation c.9569delG).
Protein change: p.Gly3190fs; shifts the reading frame from glycine 3190.
Molecular consequence: frameshift variant.
Genome position (GRCh38, 1-based): chr17:18,162,636, G deleted; the last of 2 consecutive G bases (chr17:18,162,635-18,162,636); deleting either gives the same sequence. VCF-style (leftmost placement, unchanged base first): chr17-18162634-AG-A. GRCh37 (hg19) VCF-style: chr17-18065948-AG-A.
Other names: short protein forms G3190fs.
Identifiers: ClinVar variation 3601426 (VCV003601426.1).